The following is an entry in ClinVar:

NM_002386.4(MC1R):c.445G>A (p.Ala149Thr)

Gene: MC1R (melanocortin 1 receptor; plus strand). Cytogenetic location: 16q24.3.
Variant type: single nucleotide variant.
Coding change: c.445G>A on transcript NM_002386.4 (MANE Select); coding-DNA position 445, G replaced by A.
Protein change: p.Ala149Thr; replaces alanine 149 with threonine.
Molecular consequence: missense variant.
Genome position (GRCh38, 1-based): chr16:89,919,703, G>A. VCF-style: chr16-89919703-G-A. GRCh37 (hg19) VCF-style: chr16-89986111-G-A.
Other names: short protein forms A149T.
Identifiers: ClinVar variation 1037091 (VCV001037091.8), dbSNP rs374423188, ClinGen allele CA8255593.

ClinVar aggregate classification (germline): Uncertain significance. Review status: criteria provided, multiple submitters, no conflicts (2 of 4 stars). 2 submissions from 2 submitters: Uncertain significance (2). Last evaluated 2025-12-17.

Conditions:
Melanoma, cutaneous malignant, susceptibility to, 5. Also called: Cutaneous malignant melanoma 5. Identifiers: Orphanet 618, MedGen C2751295, MONDO:0013133, OMIM 613099.

Allele frequency attached by ClinVar (database versions not stated): ExAC 0.00006; gnomAD 0.00006 and 0.00007; gnomAD exomes 0.00007 and 0.00011; TOPMed 0.00008; ESP Exome Variant Server 0.00015; 1000 Genomes Project 0.00020; 1000 Genomes Project 30x 0.00031.

Submissions (2):

Labcorp Genetics (formerly Invitae), Labcorp
Classification: Uncertain significance for Melanoma, cutaneous malignant, susceptibility to, 5. Last evaluated: 2025-12-17. Review status: criteria provided, single submitter. Criteria: Invitae Variant Classification Sherloc (09022015). Collection method: clinical testing. Allele origin: germline.
Comment: This sequence change replaces alanine, which is neutral and non-polar, with threonine, which is neutral and polar, at codon 149 of the MC1R protein (p.Ala149Thr). This variant is present in population databases (rs374423188, gnomAD 0.03%). This missense change has been observed in individual(s) with melanoma (PMID: 16809487, 18983535, 23647022). ClinVar contains an entry for this variant (Variation ID: 1037091). Invitae Evidence Modeling of protein sequence and biophysical properties (such as structural, functional, and spatial information, amino acid conservation, physicochemical variation, residue mobility, and thermodynamic stability) indicates that this missense variant is not expected to disrupt MC1R protein function with a negative predictive value of 80%. In summary, the available evidence is currently insufficient to determine the role of this variant in disease. Therefore, it has been classified as a Variant of Uncertain Significance.

Breakthrough Genomics
Classification: Uncertain significance. Review status: criteria provided, single submitter. Criteria: ACMG Guidelines, 2015. Collection method: not provided. Allele origin: germline. Inheritance: Autosomal recessive inheritance. Affected: yes.

Literature cited by the submitters: PubMed 16809487 (cited by Labcorp Genetics (formerly Invitae), Labcorp); PubMed 18983535 (cited by Labcorp Genetics (formerly Invitae), Labcorp); PubMed 23647022 (cited by Labcorp Genetics (formerly Invitae), Labcorp).